The following is an entry in ClinVar:

NM_001164508.2(NEB):c.21070C>T (p.His7024Tyr)

Gene: NEB (nebulin; minus strand). Cytogenetic location: 2q23.3.
Variant type: single nucleotide variant.
Coding change: c.21070C>T on transcript NM_001164508.2 (MANE Select); coding-DNA position 21070, C replaced by T.
Protein change: p.His7024Tyr; replaces histidine 7024 with tyrosine.
Molecular consequence: missense variant.
Genome position (GRCh38, 1-based): chr2:151,537,904, G>A on the plus strand (C>T on the coding strand, the complement: NEB is on the minus strand). VCF-style: chr2-151537904-G-A. GRCh37 (hg19) VCF-style: chr2-152394418-G-A.
Other names: c.21070C>T, p.His7024Tyr (NM_001164507.2, NM_001271208.2); c.15967C>T, p.His5323Tyr (NM_004543.5); short protein forms H5323Y, H7024Y.
Identifiers: ClinVar variation 1307293 (VCV001307293.2), dbSNP rs1232305282, ClinGen allele CA348775797.

ClinVar aggregate classification (germline): Uncertain significance (1 of 4 stars; one submission).

Submission:

GeneDx
Classification: Uncertain significance. Last evaluated: 2019-07-25. Review status: criteria provided, single submitter. Criteria: GeneDx Variant Classification Process June 2021. Collection method: clinical testing. Allele origin: germline. Affected: yes.
Comment: Not observed in large population cohorts (Lek et al., 2016); In silico analysis, which includes protein predictors and evolutionary conservation, supports a deleterious effect; Has not been previously published as pathogenic or benign to our knowledge